The following is an entry in ClinVar:

NM_006329.4(FBLN5):c.911C>T (p.Thr304Met)

Gene: FBLN5 (fibulin 5; minus strand). Cytogenetic location: 14q32.12.
Variant type: single nucleotide variant.
Coding change: c.911C>T on transcript NM_006329.4 (MANE Select); coding-DNA position 911, C replaced by T.
Protein change: p.Thr304Met; replaces threonine 304 with methionine.
Molecular consequence: missense variant.
Genome position (GRCh38, 1-based): chr14:91,881,370, G>A on the plus strand (C>T on the coding strand, the complement: FBLN5 is on the minus strand). VCF-style: chr14-91881370-G-A. GRCh37 (hg19) VCF-style: chr14-92347714-G-A.
Other names: c.1034C>T, p.Thr345Met (NM_001384158.1); c.962C>T, p.Thr321Met (NM_001384159.1); c.911C>T, p.Thr304Met (NM_001384160.1); c.743C>T, p.Thr248Met (NM_001384161.1, NM_001384162.1); short protein forms T321M, T345M, T304M, T248M.
Identifiers: ClinVar variation 1430450 (VCV001430450.7), dbSNP rs747580479, ClinGen allele CA7312693.
Genomic context (GRCh38, chr14:91,881,370, plus strand): 5'-TAAGGCTCCTCACAGCGGATGGGGTCAATGCATTTGAAGCCCCCTTGTAAATTGTAGCAC[G>A]TCTGCTGCAGGTTGCACGTGTGGTTCCTGTGCTCACATTCGTTGATGTCTGAAATGCAGG-3'
Protein context (NP_006320.2, residues 294-314): HRNHTCNLQQ[Thr304Met]CYNLQGGFKC

ClinVar aggregate classification (germline): Uncertain significance. Review status: criteria provided, multiple submitters, no conflicts (2 of 4 stars). 2 submissions from 2 submitters: Uncertain significance (2). Last evaluated 2024-01-06.

Allele frequency attached by ClinVar (database versions not stated): gnomAD 0.00001; gnomAD exomes 0.00001 and 0.00003; TOPMed 0.00001; ExAC 0.00004.
gnomAD v4.1: 17 of 1,613,718 alleles (0.0011%); highest among the groups gnomAD compares: Admixed American, 0.0017%; no homozygotes.

Submissions (2):

Labcorp Genetics (formerly Invitae), Labcorp
Classification: Uncertain significance. Last evaluated: 2024-01-06. Review status: criteria provided, single submitter. Criteria: Invitae Variant Classification Sherloc (09022015). Collection method: clinical testing. Allele origin: germline.
Comment: This sequence change replaces threonine, which is neutral and polar, with methionine, which is neutral and non-polar, at codon 304 of the FBLN5 protein (p.Thr304Met). This variant is present in population databases (rs747580479, gnomAD 0.004%). This variant has not been reported in the literature in individuals affected with FBLN5-related conditions. ClinVar contains an entry for this variant (Variation ID: 1430450). Advanced modeling of protein sequence and biophysical properties (such as structural, functional, and spatial information, amino acid conservation, physicochemical variation, residue mobility, and thermodynamic stability) performed at Invitae indicates that this missense variant is not expected to disrupt FBLN5 protein function with a negative predictive value of 80%. In summary, the available evidence is currently insufficient to determine the role of this variant in disease. Therefore, it has been classified as a Variant of Uncertain Significance.

Clinical Genetics Laboratory, Skane University Hospital Lund
Classification: Uncertain significance. Last evaluated: 2022-10-11. Review status: criteria provided, single submitter. Criteria: ACMG Guidelines, 2015. Collection method: clinical testing. Allele origin: germline. Affected: yes.